The following is an entry in ClinVar:

NM_000812.4(GABRB1):c.441A>G (p.Gly147=)

Gene: GABRB1 (gamma-aminobutyric acid type A receptor subunit beta1; plus strand). Cytogenetic location: 4p12.
Variant type: single nucleotide variant.
Coding change: c.441A>G on transcript NM_000812.4 (MANE Select); coding-DNA position 441, A replaced by G.
Protein change: p.Gly147=; no amino-acid change (glycine 147 retained).
Molecular consequence: synonymous variant.
Genome position (GRCh38, 1-based): chr4:47,161,449, A>G. VCF-style: chr4-47161449-A-G. GRCh37 (hg19) VCF-style: chr4-47163466-A-G.
Identifiers: ClinVar variation 1612100 (VCV001612100.21), dbSNP rs751816616, ClinGen allele CA2907592.

ClinVar aggregate classification (germline): Likely benign. Review status: criteria provided, multiple submitters, no conflicts (2 of 4 stars). 2 submissions from 2 submitters: Likely benign (2). Last evaluated 2025-04-17.

Allele frequency attached by ClinVar (database versions not stated): gnomAD exomes below 0.00001 and 0.00001; ExAC 0.00001.
gnomAD v4.1: 2 of 1,612,084 alleles (0.00012%); highest among the groups gnomAD compares: Admixed American, 0.0033%; no homozygotes.

Submissions (2):

Labcorp Genetics (formerly Invitae), Labcorp
Classification: Likely benign. Last evaluated: 2025-04-17. Review status: criteria provided, single submitter. Criteria: Invitae Variant Classification Sherloc (09022015). Collection method: clinical testing. Allele origin: germline.

CeGaT Center for Human Genetics Tuebingen
Classification: Likely benign. Last evaluated: 2025-02-01. Review status: criteria provided, single submitter. Criteria: CeGaT Center For Human Genetics Tuebingen Variant Classification Criteria Version 2. Collection method: clinical testing. Allele origin: germline. Affected: yes. Observed: 1 variant allele.
Comment: GABRB1: BP4, BP7